The following is an entry in ClinVar:

NM_024312.5(GNPTAB):c.1943G>A (p.Gly648Asp)

Gene: GNPTAB (N-acetylglucosamine-1-phosphate transferase subunits alpha and beta; minus strand). Cytogenetic location: 12q23.2.
Variant type: single nucleotide variant.
Coding change: c.1943G>A on transcript NM_024312.5 (MANE Select); coding-DNA position 1943, G replaced by A.
Protein change: p.Gly648Asp; replaces glycine 648 with aspartic acid.
Molecular consequence: missense variant.
Genome position (GRCh38, 1-based): chr12:101,764,974, C>T on the plus strand (G>A on the coding strand, the complement: GNPTAB is on the minus strand). VCF-style: chr12-101764974-C-T. GRCh37 (hg19) VCF-style: chr12-102158752-C-T.
Other names: short protein forms G648D.
Identifiers: ClinVar variation 550685 (VCV000550685.10), dbSNP rs373662553, ClinGen allele CA242456925.

ClinVar aggregate classification (germline): Uncertain significance. Review status: criteria provided, multiple submitters, no conflicts (2 of 4 stars). 5 submissions from 5 submitters: Uncertain significance (4). 1 of the submissions does not count toward it. Last evaluated 2023-11-30.

Conditions:
Mucolipidosis type II. Also called: Mucolipidosis II Alpha/Beta; Mucolipidosis 2; ML 2; Inclusion cell disease; Leroy Disease; N-acetylglucosamine 1phosphotransferase deficiency. Identifiers: Orphanet 576, MedGen C2673377, MONDO:0009650, OMIM 252500.
Pseudo-Hurler polydystrophy. Also called: MUCOLIPIDOSIS IIIA; ML IIIA; Mucolipidosis III Alpha/Beta; Type III Mucolipidosis; ML III; ML III ALPHA/BETA. Identifiers: Orphanet 423461, Orphanet 577, MedGen C0033788, MONDO:0018931, OMIM 252600.

Allele frequency attached by ClinVar (database versions not stated): gnomAD 0.00001; TOPMed 0.00002.
gnomAD v4.1: 6 of 1,613,940 alleles (0.00037%); highest among the groups gnomAD compares: Admixed American, 0.0083%; no homozygotes.

Submissions (5):

GeneDx
Classification: Uncertain significance. Last evaluated: 2023-11-30. Review status: criteria provided, single submitter. Criteria: GeneDx Variant Classification Process June 2021. Collection method: clinical testing. Allele origin: germline. Affected: yes.
Comment: Reported in association with mucolipidosis; however, detailed clinical information was not provided (PMID: 30882951); In silico analysis supports that this missense variant does not alter protein structure/function; Not observed at significant frequency in large population cohorts (gnomAD); This variant is associated with the following publications: (PMID: 26130485, 30882951)

Labcorp Genetics (formerly Invitae), Labcorp
Classification: Uncertain significance for Pseudo-Hurler polydystrophy; Mucolipidosis type II. Last evaluated: 2022-07-19. Review status: criteria provided, single submitter. Criteria: Invitae Variant Classification Sherloc (09022015). Collection method: clinical testing. Allele origin: germline.
Comment: This sequence change replaces glycine, which is neutral and non-polar, with aspartic acid, which is acidic and polar, at codon 648 of the GNPTAB protein (p.Gly648Asp). This variant is not present in population databases (gnomAD no frequency). This missense change has been observed in individual(s) with mucolipidosis (PMID: 30882951). ClinVar contains an entry for this variant (Variation ID: 550685). Advanced modeling of protein sequence and biophysical properties (such as structural, functional, and spatial information, amino acid conservation, physicochemical variation, residue mobility, and thermodynamic stability) performed at Invitae indicates that this missense variant is not expected to disrupt GNPTAB protein function. In summary, the available evidence is currently insufficient to determine the role of this variant in disease. Therefore, it has been classified as a Variant of Uncertain Significance.

Fulgent Genetics
Classification: Uncertain significance for Mucolipidosis type II; Pseudo-Hurler polydystrophy. Last evaluated: 2022-01-14. Review status: criteria provided, single submitter. Criteria: ACMG Guidelines, 2015. Collection method: clinical testing. Allele origin: unknown.

Eurofins Ntd Llc (ga)
Classification: Uncertain significance. Last evaluated: 2018-02-19. Review status: criteria provided, single submitter. Criteria: EGL ClinVar v180209 classification definitions. Collection method: clinical testing. Allele origin: germline. Observed: 1 variant allele, 1 heterozygote.

Counsyl
Classification: Uncertain significance for Mucolipidosis type II; Pseudo-Hurler polydystrophy. Last evaluated: 2017-02-08. Review status: no assertion criteria provided. Collection method: clinical testing. Allele origin: unknown. Not counted in ClinVar's aggregate classification.

Literature cited by the submitters: PubMed 30882951 (cited by Labcorp Genetics (formerly Invitae), Labcorp).